The following is an entry in ClinVar:

ClinVar aggregate classification (germline): Benign (1 of 4 stars; one submission).

Conditions:
Multiple synostoses syndrome 3 (SYNS3). Identifiers: Orphanet 3237, MedGen C2751826, MONDO:0013064, OMIM 612961.

Allele frequency attached by ClinVar (database versions not stated): gnomAD 0.00063 and 0.00076; TOPMed 0.00076; 1000 Genomes Project 30x 0.00094; 1000 Genomes Project 0.00100.

Submission:

Illumina Laboratory Services, Illumina
Classification: Benign for Multiple synostoses syndrome 3. Last evaluated: 2017-05-31. Review status: criteria provided, single submitter. Criteria: ICSL Variant Classification Criteria 13 December 2019. Collection method: clinical testing. Allele origin: germline.
Comment: This variant was observed in the ICSL laboratory as part of a predisposition screen in an ostensibly healthy population. It had not been previously curated by ICSL or reported in the Human Gene Mutation Database (HGMD: prior to June 1st, 2018), and was therefore a candidate for classification through an automated scoring system. Utilizing variant allele frequency, disease prevalence and penetrance estimates, and inheritance mode, an automated score was calculated to assess if this variant is too frequent to cause the disease. Based on the score and internal cut-off values, a variant classified as benign is not then subjected to further curation. The score for this variant resulted in a classification of benign for this disease.

NM_002010.3(FGF9):c.*1411T>C

Gene: FGF9 (fibroblast growth factor 9; plus strand). Cytogenetic location: 13q12.11.
Variant type: single nucleotide variant.
Coding change: c.*1411T>C on transcript NM_002010.3 (MANE Select); 1411 bases downstream of the stop codon, T replaced by C.
Molecular consequence: 3 prime UTR variant.
Genome position (GRCh38, 1-based): chr13:21,702,846, T>C. VCF-style: chr13-21702846-T-C. GRCh37 (hg19) VCF-style: chr13-22276985-T-C.
Identifiers: ClinVar variation 881360 (VCV000881360.4), dbSNP rs181623879, ClinGen allele CA246855283.